The following is an entry in ClinVar:

ClinVar aggregate classification (germline): Likely benign (1 of 4 stars; one submission).

Submission:

GeneDx
Classification: Likely benign. Last evaluated: 2018-02-16. Review status: criteria provided, single submitter. Criteria: GeneDx Variant Classification (06012015). Collection method: clinical testing. Allele origin: germline. Affected: yes.
Comment: This variant is considered likely benign or benign based on one or more of the following criteria: it is a conservative change, it occurs at a poorly conserved position in the protein, it is predicted to be benign by multiple in silico algorithms, and/or has population frequency not consistent with disease.

NM_153603.4(COG7):c.810+7G>T

Gene: COG7 (component of oligomeric golgi complex 7; minus strand). Cytogenetic location: 16p12.2.
Variant type: single nucleotide variant.
Coding change: c.810+7G>T on transcript NM_153603.4 (MANE Select); 7 bases into the intron after coding-DNA position 810, G replaced by T.
Molecular consequence: intron variant.
Genome position (GRCh38, 1-based): chr16:23,433,538, C>A on the plus strand (G>T on the coding strand, the complement: COG7 is on the minus strand). VCF-style: chr16-23433538-C-A. GRCh37 (hg19) VCF-style: chr16-23444859-C-A.
Identifiers: ClinVar variation 515203 (VCV000515203.1), dbSNP rs1555495856, ClinGen allele CA658798579.